The following is an entry in ClinVar:

ClinVar aggregate classification (germline): Uncertain significance (1 of 4 stars; one submission).

Conditions:
Thrombocytopenia 2 (THC2). Also called: ANKRD26-Related Thrombocytopenia. Identifiers: Orphanet 268322, MedGen C1861185, MONDO:0008555, OMIM 188000.

Allele frequency attached by ClinVar (database versions not stated): gnomAD 0.00001.

Submission:

St. Jude Molecular Pathology, St. Jude Children's Research Hospital
Classification: Uncertain significance for Thrombocytopenia 2. Last evaluated: 2023-07-25. Review status: criteria provided, single submitter. Criteria: St. Jude Assertion Criteria 2020. Collection method: clinical testing. Allele origin: germline.
Comment: The ANKRD26 c.1636-8del intronic change results in a deletion of one nucleotide at the -8 position of intron 16 of the ANKRD26 gene. Algorithms that predict the impact of sequence changes on splicing indicate that this change may impact splicing, but these predictions have not been confirmed by RNA studies. This variant is not located in the 5' UTR. This variant is absent in gnomAD v2.1.1. This variant has not been reported in individuals with ANKRD26-related thrombocytopenia. In summary, the evidence currently available is insufficient to determine the clinical significance of this variant. It has therefore been classified as of uncertain significance.

NM_014915.3(ANKRD26):c.1636-8del

Gene: ANKRD26 (ankyrin repeat domain 26; minus strand). Cytogenetic location: 10p12.1.
Variant type: Deletion.
Coding change: c.1636-8del on transcript NM_014915.3 (MANE Select); 8 bases into the intron before coding-DNA position 1636, one base deleted (C; older notation c.1636-8delC).
Molecular consequence: intron variant.
Genome position (GRCh38, 1-based): chr10:27,048,987, G deleted on the plus strand (C on the coding strand, the reverse complement: ANKRD26 is on the minus strand). VCF-style (leftmost placement, unchanged base first): chr10-27048986-TG-T. GRCh37 (hg19) VCF-style: chr10-27337915-TG-T.
Other names: c.1636-8del (NM_001256053.2).
Identifiers: ClinVar variation 2577910 (VCV002577910.1), dbSNP rs2054556291, ClinGen allele CA926148972.